The following is an entry in ClinVar:

NM_000152.5(GAA):c.1103G>T (p.Gly368Val)

Gene: GAA (alpha glucosidase; plus strand). Cytogenetic location: 17q25.3.
Variant type: single nucleotide variant.
Coding change: c.1103G>T on transcript NM_000152.5 (MANE Select); coding-DNA position 1103, G replaced by T.
Protein change: p.Gly368Val; replaces glycine 368 with valine.
Molecular consequence: missense variant.
Genome position (GRCh38, 1-based): chr17:80,108,516, G>T. VCF-style: chr17-80108516-G-T. GRCh37 (hg19) VCF-style: chr17-78082315-G-T.
Other names: c.1103G>T (LRG_673t1); c.1103G>T, p.Gly368Val (NM_001079803.3, NM_001079804.3); short protein forms G368V.
Identifiers: ClinVar variation 642769 (VCV000642769.11), dbSNP rs368244038, ClinGen allele CA8815171.
Genomic context (GRCh38, chr17:80,108,516, plus strand): 5'-TCCCTCCCTCATGAAGTCGGCGTTGGCCTGCAGGATACCCGTTCATGCCGCCATACTGGG[G>T]CCTGGGCTTCCACCTGTGCCGCTGGGGCTACTCCTCCACCGCTATCACCCGCCAGGTGGT-3'
Protein context (NP_000143.2, residues 358-378): VGYPFMPPYW[Gly368Val]LGFHLCRWGY

ClinVar aggregate classification (germline): Uncertain significance. Review status: criteria provided, multiple submitters, no conflicts (2 of 4 stars). 3 submissions from 3 submitters: Uncertain significance (2). 1 of the submissions does not count toward it. Last evaluated 2026-07-01.

Conditions:
Glycogen storage disease, type II (IOPD). Also called: Pompe Disease; CARDIOMEGALIA GLYCOGENICA DIFFUSA; GLYCOGENOSIS, GENERALIZED, CARDIAC FORM; GSD II; POMPE DISEASE, INFANTILE-ONSET; GLYCOGEN STORAGE DISEASE II, INFANTILE-ONSET. Identifiers: Orphanet 365, MedGen C0017921, MONDO:0009290, OMIM 232300.

Allele frequency attached by ClinVar (database versions not stated): ExAC 0.00001; TOPMed 0.00002; ESP Exome Variant Server 0.00008.
gnomAD v4.1: 2 of 1,613,004 alleles (0.00012%); highest among the groups gnomAD compares: African/African-American, 0.0013%; no homozygotes.

Submissions (3):

Genomenon, Inc
Classification: Uncertain significance for Glycogen storage disease, type II. Last evaluated: 2026-07-01. Review status: criteria provided, single submitter. Criteria: Genomenon Sequence Variant Interpretation Standards - Updated. Collection method: curation. Allele origin: germline. Affected: no.
Comment: GAA p.Gly368Val (c.1103G>T) is a missense variant that changes the amino acid at codon 368 from Glycine to Valine. This variant has been reported in the published literature (PMID:30281819). It is absent or not present at a significant frequency in gnomAD. In conclusion, we classify GAA p.Gly368Val (c.1103G>T) as a variant of uncertain significance.

Labcorp Genetics (formerly Invitae), Labcorp
Classification: Uncertain significance for Glycogen storage disease, type II. Last evaluated: 2022-03-25. Review status: criteria provided, single submitter. Criteria: Invitae Variant Classification Sherloc (09022015). Collection method: clinical testing. Allele origin: germline.
Comment: This sequence change replaces glycine, which is neutral and non-polar, with valine, which is neutral and non-polar, at codon 368 of the GAA protein (p.Gly368Val). This variant is present in population databases (rs368244038, gnomAD 0.0009%). This variant has not been reported in the literature in individuals affected with GAA-related conditions. ClinVar contains an entry for this variant (Variation ID: 642769). Algorithms developed to predict the effect of missense changes on protein structure and function are either unavailable or do not agree on the potential impact of this missense change (SIFT: "Deleterious"; PolyPhen-2: "Possibly Damaging"; Align-GVGD: "Class C0"). In summary, the available evidence is currently insufficient to determine the role of this variant in disease. Therefore, it has been classified as a Variant of Uncertain Significance.

Natera, Inc.
Classification: Uncertain significance for Glycogen storage disease type II. Last evaluated: 2020-02-20. Review status: no assertion criteria provided. Collection method: clinical testing. Allele origin: germline. Not counted in ClinVar's aggregate classification.

Literature cited by the submitters: PubMed 30281819 (cited by Genomenon, Inc).